The following is an entry in ClinVar:

NM_015346.4(ZFYVE26):c.3482C>T (p.Thr1161Ile)

Gene: ZFYVE26 (zinc finger FYVE-type containing 26; minus strand). Cytogenetic location: 14q24.1.
Variant type: single nucleotide variant.
Coding change: c.3482C>T on transcript NM_015346.4 (MANE Select); coding-DNA position 3482, C replaced by T.
Protein change: p.Thr1161Ile; replaces threonine 1161 with isoleucine.
Molecular consequence: missense variant.
Genome position (GRCh38, 1-based): chr14:67,785,100, G>A on the plus strand (C>T on the coding strand, the complement: ZFYVE26 is on the minus strand). VCF-style: chr14-67785100-G-A. GRCh37 (hg19) VCF-style: chr14-68251817-G-A.
Other names: short protein forms T1161I.
Identifiers: ClinVar variation 2188710 (VCV002188710.1), dbSNP rs1343184901, ClinGen allele CA390172141.

ClinVar aggregate classification (germline): Uncertain significance (1 of 4 stars; one submission).

Conditions:
Spastic paraplegia. Identifiers: MedGen C0037772, HP:0001258.

Allele frequency attached by ClinVar (database versions not stated): gnomAD exomes below 0.00001; gnomAD 0.00001; TOPMed 0.00001.
gnomAD v4.1: 6 of 1,614,078 alleles (0.00037%); highest among the groups gnomAD compares: Non-Finnish European, 0.000085%; no homozygotes.

Submission:

Labcorp Genetics (formerly Invitae), Labcorp
Classification: Uncertain significance for Spastic paraplegia. Last evaluated: 2022-08-07. Review status: criteria provided, single submitter. Criteria: Invitae Variant Classification Sherloc (09022015). Collection method: clinical testing. Allele origin: germline.
Comment: This sequence change replaces threonine, which is neutral and polar, with isoleucine, which is neutral and non-polar, at codon 1161 of the ZFYVE26 protein (p.Thr1161Ile). This variant is not present in population databases (gnomAD no frequency). This variant has not been reported in the literature in individuals affected with ZFYVE26-related conditions. Algorithms developed to predict the effect of missense changes on protein structure and function are either unavailable or do not agree on the potential impact of this missense change (SIFT: "Deleterious"; PolyPhen-2: "Possibly Damaging"; Align-GVGD: "Class C15"). In summary, the available evidence is currently insufficient to determine the role of this variant in disease. Therefore, it has been classified as a Variant of Uncertain Significance.